The following is an entry in ClinVar:

ClinVar aggregate classification (germline): Uncertain significance (1 of 4 stars; one submission).

Allele frequency attached by ClinVar (database versions not stated): gnomAD exomes below 0.00001; TOPMed below 0.00001.
gnomAD v4.1: 1 of 1,614,168 alleles (0.000062%); highest among the groups gnomAD compares: Non-Finnish European, 0.000085%; no homozygotes.

Submission:

Ambry Genetics
Classification: Uncertain significance. Last evaluated: 2022-11-20. Review status: criteria provided, single submitter. Criteria: Ambry Variant Classification Scheme 2023. Collection method: clinical testing. Allele origin: germline.
Comment: The p.H327Q variant (also known as c.981T>A), located in coding exon 2 of the PALLD gene, results from a T to A substitution at nucleotide position 981. The histidine at codon 327 is replaced by glutamine, an amino acid with highly similar properties. This amino acid position is conserved. In addition, this alteration is predicted to be tolerated by in silico analysis. Since supporting evidence is limited at this time, the clinical significance of this alteration remains unclear.

NM_001166108.2(PALLD):c.981T>A (p.His327Gln)

Gene: PALLD (palladin, cytoskeletal associated protein; plus strand). Cytogenetic location: 4q32.3.
Variant type: single nucleotide variant.
Coding change: c.981T>A on transcript NM_001166108.2 (MANE Select); coding-DNA position 981, T replaced by A.
Protein change: p.His327Gln; replaces histidine 327 with glutamine.
Molecular consequence: missense variant. On other transcripts: 5 prime UTR variant (1).
Genome position (GRCh38, 1-based): chr4:168,668,262, T>A. VCF-style: chr4-168668262-T-A. GRCh37 (hg19) VCF-style: chr4-169589413-T-A.
Other names: c.-166T>A (NM_001166109.2); c.981T>A, p.His327Gln (NM_016081.4); short protein forms H327Q.
Identifiers: ClinVar variation 2447353 (VCV002447353.2), dbSNP rs1779847256, ClinGen allele CA358793736.